The following is an entry in ClinVar:

ClinVar aggregate classification (germline): Conflicting classifications of pathogenicity. Review status: criteria provided, conflicting classifications (1 of 4 stars). 2 submissions from 2 submitters: Uncertain significance (1); Benign (1). Last evaluated 2026-01-12.

Conditions:
Inborn genetic diseases. Identifiers: MedGen C0950123, MeSH D030342.

Allele frequency attached by ClinVar (database versions not stated): gnomAD exomes 0.00005; gnomAD 0.00013 and 0.00014; 1000 Genomes Project 30x 0.00016.
gnomAD v4.1: 557 of 1,530,540 alleles (0.036%); highest among the groups gnomAD compares: Non-Finnish European, 0.048%; no homozygotes.

Submissions (2):

Labcorp Genetics (formerly Invitae), Labcorp
Classification: Benign. Last evaluated: 2026-01-12. Review status: criteria provided, single submitter. Criteria: Invitae Variant Classification Sherloc (09022015). Collection method: clinical testing. Allele origin: germline.

Ambry Genetics
Classification: Uncertain significance for Inborn genetic diseases. Last evaluated: 2016-12-12. Review status: criteria provided, single submitter. Criteria: Ambry Variant Classification Scheme 2023. Collection method: clinical testing. Allele origin: germline.
Comment: The p.K26Q variant (also known as c.76A>C), located in coding exon 1 of the ARID1B gene, results from an A to C substitution at nucleotide position 76. The lysine at codon 26 is replaced by glutamine, an amino acid with similar properties. This amino acid position is not well conserved on limited sequence alignment. In addition, this alteration is predicted to be tolerated by SIFT in silico analysis. Since supporting evidence is limited at this time, the clinical significance of this alteration remains unclear.

NM_001374828.1(ARID1B):c.325A>C (p.Lys109Gln)

Genes: ARID1B (AT-rich interaction domain 1B; plus strand), LOC115308161 (uncharacterized LOC115308161; minus strand), LOC129997523 (ATAC-STARR-seq lymphoblastoid silent region 17710; plus strand). Cytogenetic location: 6q25.3.
Variant type: single nucleotide variant.
Coding change: c.325A>C on transcript NM_001374828.1 (MANE Select); coding-DNA position 325, A replaced by C.
Protein change: p.Lys109Gln; replaces lysine 109 with glutamine.
Molecular consequence: missense variant.
Genome position (GRCh38, 1-based): chr6:156,778,005, A>C. VCF-style: chr6-156778005-A-C. GRCh37 (hg19) VCF-style: chr6-157099139-A-C.
Other names: c.76A>C, p.Lys26Gln (NM_020732.3); c.325A>C, p.Lys109Gln (NM_001371656.1, NM_001374820.1, NM_017519.3); short protein forms K26Q, K109Q.
Identifiers: ClinVar variation 589473 (VCV000589473.13), dbSNP rs1475208851, ClinGen allele CA366381087.